The following is an entry in ClinVar:

NM_005491.5(MAMLD1):c.270T>C (p.Asp90=)

Gene: MAMLD1 (mastermind like domain containing 1; plus strand). Cytogenetic location: Xq28.
Variant type: single nucleotide variant.
Coding change: c.270T>C on transcript NM_005491.5 (MANE Select); coding-DNA position 270, T replaced by C.
Protein change: p.Asp90=; no amino-acid change (aspartic acid 90 retained).
Molecular consequence: synonymous variant.
Genome position (GRCh38, 1-based): chrX:150,469,843, T>C. VCF-style: chrX-150469843-T-C. GRCh37 (hg19) VCF-style: chrX-149638115-T-C.
Other names: c.195T>C, p.Asp65= (NM_001177465.3, NM_001177466.3, NM_001400514.1); c.270T>C, p.Asp90= (NM_001400512.1, NM_001400513.1, NM_001400515.1).
Identifiers: ClinVar variation 1176605 (VCV001176605.39), dbSNP rs149710130, ClinGen allele CA10538648.
Genomic context (GRCh38, chrX:150,469,843, plus strand): 5'-GTTTCCAGACATGGCTGATGGGGGCTACCCTAATAAAATTAAGAGGCCTTGCCTTGAAGA[T>C]GTCACCCTTGCAATGGGCCCAGGTGCTCATCCTAGTACTGCTTGTGCAGAACTGCAGGTC-3'
Protein context (NP_005482.2, residues 80-100): PNKIKRPCLE[Asp90=]VTLAMGPGAH

ClinVar aggregate classification (germline): Benign/Likely benign. Review status: criteria provided, multiple submitters, no conflicts (2 of 4 stars). 2 submissions from 2 submitters: Benign (1); Likely benign (1). Last evaluated 2024-07-22.

Allele frequency attached by ClinVar (database versions not stated): ExAC 0.00031; ESP Exome Variant Server 0.00047.
gnomAD v4.1: 1,039 of 1,209,887 alleles (0.086%); highest among the groups gnomAD compares: Non-Finnish European, 0.11%; no homozygotes.

Submissions (2):

Labcorp Genetics (formerly Invitae), Labcorp
Classification: Benign. Last evaluated: 2024-07-22. Review status: criteria provided, single submitter. Criteria: Invitae Variant Classification Sherloc (09022015). Collection method: clinical testing. Allele origin: germline.

CeGaT Center for Human Genetics Tuebingen
Classification: Likely benign. Last evaluated: 2022-04-01. Review status: criteria provided, single submitter. Criteria: CeGaT Center For Human Genetics Tuebingen Variant Classification Criteria Version 2. Collection method: clinical testing. Allele origin: germline. Affected: yes. Observed: 2 variant alleles.
Comment: MAMLD1: BP4, BP7